The following is an entry in ClinVar:

NM_000051.4(ATM):c.4938A>C (p.Lys1646Asn)

Gene: ATM (ATM serine/threonine kinase; plus strand). Cytogenetic location: 11q22.3.
Variant type: single nucleotide variant.
Coding change: c.4938A>C on transcript NM_000051.4 (MANE Select); coding-DNA position 4938, A replaced by C.
Protein change: p.Lys1646Asn; replaces lysine 1646 with asparagine.
Molecular consequence: missense variant.
Genome position (GRCh38, 1-based): chr11:108,297,315, A>C. VCF-style: chr11-108297315-A-C. GRCh37 (hg19) VCF-style: chr11-108168042-A-C.
Other names: c.4938A>C, p.Lys1646Asn (NM_001351834.2); short protein forms K1646N.
Identifiers: ClinVar variation 1744239 (VCV001744239.2), dbSNP rs1171877755, ClinGen allele CA382538172.

ClinVar aggregate classification (germline): Uncertain significance (1 of 4 stars; one submission).

Conditions:
Hereditary cancer-predisposing syndrome. Also called: Hereditary Cancer Syndrome; Neoplastic Syndromes, Hereditary; Tumor predisposition; Hereditary neoplastic syndrome. Identifiers: Orphanet 140162, MedGen C0027672, MeSH D009386, MONDO:0015356.

Submission:

Ambry Genetics
Classification: Uncertain significance for Hereditary cancer-predisposing syndrome. Last evaluated: 2020-07-20. Review status: criteria provided, single submitter. Criteria: Ambry Variant Classification Scheme 2023. Collection method: clinical testing. Allele origin: germline.
Comment: The p.K1646N variant (also known as c.4938A>C), located in coding exon 32 of the ATM gene, results from an A to C substitution at nucleotide position 4938. The lysine at codon 1646 is replaced by asparagine, an amino acid with similar properties. This amino acid position is well conserved in available vertebrate species. In addition, this alteration is predicted to be tolerated by in silico analysis. Since supporting evidence is limited at this time, the clinical significance of this alteration remains unclear.

Literature cited by the submitters: PubMed 29700634.